The following is an entry in ClinVar:

ClinVar aggregate classification (germline): Conflicting classifications of pathogenicity. Review status: criteria provided, conflicting classifications (1 of 4 stars). 2 submissions from 2 submitters: Uncertain significance (1); Likely benign (1). Last evaluated 2025-12-19.

Conditions:
Inborn genetic diseases. Identifiers: MedGen C0950123, MeSH D030342.

Allele frequency attached by ClinVar (database versions not stated): TOPMed 0.00003.
gnomAD v4.1: 15 of 1,581,984 alleles (0.00095%); highest among the groups gnomAD compares: East Asian, 0.0068%; no homozygotes.

Submissions (2):

Labcorp Genetics (formerly Invitae), Labcorp
Classification: Uncertain significance. Last evaluated: 2025-12-19. Review status: criteria provided, single submitter. Criteria: Invitae Variant Classification Sherloc (09022015). Collection method: clinical testing. Allele origin: germline.
Comment: This sequence change replaces valine, which is neutral and non-polar, with alanine, which is neutral and non-polar, at codon 10 of the MECR protein (p.Val10Ala). This variant is present in population databases (rs200637441, gnomAD 0.02%). This variant has not been reported in the literature in individuals affected with MECR-related conditions. ClinVar contains an entry for this variant (Variation ID: 2521536). An algorithm developed to predict the effect of missense changes on protein structure and function outputs the following: PolyPhen-2: "Benign". The alanine amino acid residue is found in multiple mammalian species, which suggests that this missense change does not adversely affect protein function. In summary, the available evidence is currently insufficient to determine the role of this variant in disease. Therefore, it has been classified as a Variant of Uncertain Significance.

Ambry Genetics
Classification: Likely benign for Inborn genetic diseases. Last evaluated: 2023-04-18. Review status: criteria provided, single submitter. Criteria: Ambry Variant Classification Scheme 2023. Collection method: clinical testing. Allele origin: germline.

NM_016011.5(MECR):c.29T>C (p.Val10Ala)

Gene: MECR (mitochondrial trans-2-enoyl-CoA reductase; minus strand). Cytogenetic location: 1p35.3.
Variant type: single nucleotide variant.
Coding change: c.29T>C on transcript NM_016011.5 (MANE Select); coding-DNA position 29, T replaced by C.
Protein change: p.Val10Ala; replaces valine 10 with alanine.
Molecular consequence: missense variant. On other transcripts: 5 prime UTR variant (6), non-coding transcript variant (4).
Genome position (GRCh38, 1-based): chr1:29,230,878, A>G on the plus strand (T>C on the coding strand, the complement: MECR is on the minus strand). VCF-style: chr1-29230878-A-G. GRCh37 (hg19) VCF-style: chr1-29557390-A-G.
Other names: c.-327T>C (NM_001024732.4); c.-531T>C (NM_001349711.2); c.-532T>C (NM_001349712.2); c.-409T>C (NM_001349713.2); c.-321T>C (NM_001349714.2); c.29T>C, p.Val10Ala (NM_001349715.2, NM_001349716.2); c.-114T>C (NM_001349717.2); short protein forms V10A.
Identifiers: ClinVar variation 2521536 (VCV002521536.4), dbSNP rs200637441, ClinGen allele CA725933.
Genomic context (GRCh38, chr1:29,230,878, plus strand): 5'-GCAGGTCCGTGACAGCCAGAAGCTGGGAGCAGCCCCCGCCACTGCCGGGCGGGGGTTCGC[A>G]CCCGCCACAGGGTACTGCAGACCCACATGCTCGCTCCAACCAACACAGAGCCTGACGCCC-3'
Protein context (NP_057095.4, residues 1-20): MWVCSTLWR[Val10Ala]RTPARQWRGL